The following is an entry in ClinVar:

ClinVar aggregate classification (germline): Uncertain significance. Review status: criteria provided, multiple submitters, no conflicts (2 of 4 stars). 2 submissions from 2 submitters: Uncertain significance (2). Last evaluated 2026-07-15.

Conditions:
Hereditary cancer-predisposing syndrome. Also called: Neoplastic Syndromes, Hereditary; Hereditary neoplastic syndrome; Hereditary Cancer Syndrome; Tumor predisposition. Identifiers: Orphanet 140162, MedGen C0027672, MeSH D009386, MONDO:0015356.
Multiple endocrine neoplasia, type 1 (MEN1). Also called: MEA I; MEN I; WERMER SYNDROME; Endocrine adenomatosis multiple; MEN 1. Identifiers: Orphanet 652, MedGen C0025267, MeSH D018761, MONDO:0007540, OMIM 131100.

gnomAD v4.1: 1 of 1,586,090 alleles (0.000063%); highest among the groups gnomAD compares: Non-Finnish European, 0.000086%; no homozygotes.

Submissions (2):

Ambry Genetics
Classification: Uncertain significance for Hereditary cancer-predisposing syndrome. Last evaluated: 2026-07-15. Review status: criteria provided, single submitter. Criteria: Ambry Variant Classification Scheme 2023. Collection method: clinical testing. Allele origin: germline.
Comment: The p.R52C variant (also known as c.154C>T), located in coding exon 1 of the MEN1 gene, results from a C to T substitution at nucleotide position 154. The arginine at codon 52 is replaced by cysteine, an amino acid with highly dissimilar properties. This amino acid position is highly conserved in available vertebrate species. In addition, this alteration is predicted to be deleterious by in silico analysis. Since supporting evidence is limited at this time, the clinical significance of this alteration remains unclear.

Labcorp Genetics (formerly Invitae), Labcorp
Classification: Uncertain significance for Multiple endocrine neoplasia, type 1. Last evaluated: 2022-08-08. Review status: criteria provided, single submitter. Criteria: Invitae Variant Classification Sherloc (09022015). Collection method: clinical testing. Allele origin: germline.
Comment: This sequence change replaces arginine, which is basic and polar, with cysteine, which is neutral and slightly polar, at codon 52 of the MEN1 protein (p.Arg52Cys). This variant is not present in population databases (gnomAD no frequency). This variant has not been reported in the literature in individuals affected with MEN1-related conditions. ClinVar contains an entry for this variant (Variation ID: 485730). Advanced modeling of protein sequence and biophysical properties (such as structural, functional, and spatial information, amino acid conservation, physicochemical variation, residue mobility, and thermodynamic stability) performed at Invitae indicates that this missense variant is expected to disrupt MEN1 protein function. In summary, the available evidence is currently insufficient to determine the role of this variant in disease. Therefore, it has been classified as a Variant of Uncertain Significance.

NM_001370259.2(MEN1):c.154C>T (p.Arg52Cys)

Gene: MEN1 (menin 1; minus strand). Cytogenetic location: 11q13.1.
Variant type: single nucleotide variant.
Coding change: c.154C>T on transcript NM_001370259.2 (MANE Select); coding-DNA position 154, C replaced by T.
Protein change: p.Arg52Cys; replaces arginine 52 with cysteine.
Molecular consequence: missense variant.
Genome position (GRCh38, 1-based): chr11:64,809,956, G>A on the plus strand (C>T on the coding strand, the complement: MEN1 is on the minus strand). VCF-style: chr11-64809956-G-A. GRCh37 (hg19) VCF-style: chr11-64577428-G-A.
Other names: c.154C>T, p.Arg52Cys (NM_000244.4, NM_001370251.2, NM_001370260.2 and 9 more transcripts); short protein forms R52C.
Identifiers: ClinVar variation 485730 (VCV000485730.12), dbSNP rs1555166664, ClinGen allele CA381187771.